The following is an entry in ClinVar:

NM_000124.4(ERCC6):c.3682A>T (p.Lys1228Ter)

Gene: ERCC6 (ERCC excision repair 6, chromatin remodeling factor; minus strand). Cytogenetic location: 10q11.23.
Variant type: single nucleotide variant.
Coding change: c.3682A>T on transcript NM_000124.4 (MANE Select); coding-DNA position 3682, A replaced by T.
Protein change: p.Lys1228Ter; replaces lysine 1228 with a stop codon.
Molecular consequence: nonsense.
Genome position (GRCh38, 1-based): chr10:49,470,278, T>A on the plus strand (A>T on the coding strand, the complement: ERCC6 is on the minus strand). VCF-style: chr10-49470278-T-A. GRCh37 (hg19) VCF-style: chr10-50678324-T-A.
Other names: c.3682A>T, p.Lys1228Ter (NM_001346440.2); short protein forms K1228*.
Identifiers: ClinVar variation 1726747 (VCV001726747.2), dbSNP rs2495970774, ClinGen allele CA376712892.

ClinVar aggregate classification (germline): Likely pathogenic (1 of 4 stars; one submission).

Conditions:
Cockayne syndrome type 2 (CSB). Also called: COCKAYNE SYNDROME B; Cockayne Syndrome, Type II. Identifiers: Orphanet 191, Orphanet 90322, MedGen C0751038, MONDO:0019570, OMIM 133540.

Submission:

Myriad Genetics, Inc.
Classification: Likely pathogenic for Cockayne syndrome type 2. Last evaluated: 2021-12-31. Review status: criteria provided, single submitter. Criteria: Myriad Women's Health Autosomal Recessive and X-Linked Classification Criteria (2021). Collection method: clinical testing. Allele origin: unknown.
Comment: NM_000124.2(ERCC6):c.3682A>T(K1228*) is expected to be pathogenic in the context of ERCC6-related disorders. This variant is predicted to lead to an abnormal or absent protein product due to the creation of a premature termination codon in ERCC6, a gene where loss-of-function variants are known to be pathogenic. Please note: this variant was assessed in the context of healthy population screening.